The following is an entry in ClinVar:

ClinVar aggregate classification (germline): Uncertain significance (1 of 4 stars; one submission).

Allele frequency attached by ClinVar (database versions not stated): gnomAD exomes below 0.00001.
gnomAD v4.1: 1 of 1,614,198 alleles (0.000062%); highest among the groups gnomAD compares: Non-Finnish European, 0.000085%; no homozygotes.

Submission:

Labcorp Genetics (formerly Invitae), Labcorp
Classification: Uncertain significance. Last evaluated: 2021-10-21. Review status: criteria provided, single submitter. Criteria: Invitae Variant Classification Sherloc (09022015). Collection method: clinical testing. Allele origin: germline.
Comment: This variant has not been reported in the literature in individuals affected with ERCC6-related conditions. This sequence change replaces lysine, which is basic and polar, with glutamic acid, which is acidic and polar, at codon 1072 of the ERCC6 protein (p.Lys1072Glu). This variant is not present in population databases (gnomAD no frequency). Algorithms developed to predict the effect of missense changes on protein structure and function output the following: SIFT: "Tolerated"; PolyPhen-2: "Benign"; Align-GVGD: "Class C0". The glutamic acid amino acid residue is found in multiple mammalian species, which suggests that this missense change does not adversely affect protein function. In summary, the available evidence is currently insufficient to determine the role of this variant in disease. Therefore, it has been classified as a Variant of Uncertain Significance.

NM_000124.4(ERCC6):c.3214A>G (p.Lys1072Glu)

Gene: ERCC6 (ERCC excision repair 6, chromatin remodeling factor; minus strand). Cytogenetic location: 10q11.23.
Variant type: single nucleotide variant.
Coding change: c.3214A>G on transcript NM_000124.4 (MANE Select); coding-DNA position 3214, A replaced by G.
Protein change: p.Lys1072Glu; replaces lysine 1072 with glutamic acid.
Molecular consequence: missense variant.
Genome position (GRCh38, 1-based): chr10:49,470,746, T>C on the plus strand (A>G on the coding strand, the complement: ERCC6 is on the minus strand). VCF-style: chr10-49470746-T-C. GRCh37 (hg19) VCF-style: chr10-50678792-T-C.
Other names: c.3214A>G, p.Lys1072Glu (NM_001346440.2); short protein forms K1072E.
Identifiers: ClinVar variation 1346182 (VCV001346182.6), dbSNP rs2132537563, ClinGen allele CA376716353.